The following is an entry in ClinVar:

ClinVar aggregate classification (germline): Uncertain significance (1 of 4 stars; one submission).

Conditions:
LEPR-related disorder. Also called: LEPR-related condition; LEPR-related disorders.

gnomAD v4.1: 1 of 1,613,946 alleles (0.000062%); highest among the groups gnomAD compares: Non-Finnish European, 0.000085%; no homozygotes.

Submission:

PreventionGenetics, part of Exact Sciences
Classification: Uncertain significance for LEPR-related condition. Last evaluated: 2026-09-22. Review status: criteria provided, single submitter. Criteria: ACMG Guidelines, 2015. Collection method: clinical testing. Allele origin: germline.
Comment: The LEPR c.205G>C variant is predicted to result in the amino acid substitution p.Glu69Gln. In vitro functional studies showed function similar to wild-type levels (Supplemental Data Set, Shah et al. 2023. PubMed ID: 36864747). To our knowledge, this variant has not been reported in a large population database (gnomAD), indicating this variant is rare. At this time, the clinical significance of this variant is uncertain due to the absence of conclusive functional and genetic evidence.

NM_002303.6(LEPR):c.205G>C (p.Glu69Gln)

Gene: LEPR (leptin receptor; plus strand). Cytogenetic location: 1p31.3.
Variant type: single nucleotide variant.
Coding change: c.205G>C on transcript NM_002303.6 (MANE Select); coding-DNA position 205, G replaced by C.
Protein change: p.Glu69Gln; replaces glutamic acid 69 with glutamine.
Molecular consequence: missense variant.
Genome position (GRCh38, 1-based): chr1:65,570,637, G>C. VCF-style: chr1-65570637-G-C. GRCh37 (hg19) VCF-style: chr1-66036320-G-C.
Other names: c.205G>C, p.Glu69Gln (NM_001003679.3, NM_001003680.3, NM_001198687.2 and 2 more transcripts); short protein forms E69Q.
Identifiers: ClinVar variation 4991204 (VCV004991204.1).